The following is an entry in ClinVar:

ClinVar aggregate classification (germline): Uncertain significance. Review status: criteria provided, multiple submitters, no conflicts (2 of 4 stars). 2 submissions from 2 submitters: Uncertain significance (2). Last evaluated 2024-11-18.

Allele frequency attached by ClinVar (database versions not stated): gnomAD exomes 0.00001 and 0.00002; ExAC 0.00002.

Submissions (2):

Labcorp Genetics (formerly Invitae), Labcorp
Classification: Uncertain significance. Last evaluated: 2024-11-18. Review status: criteria provided, single submitter. Criteria: Invitae Variant Classification Sherloc (09022015). Collection method: clinical testing. Allele origin: germline.
Comment: This sequence change replaces valine, which is neutral and non-polar, with methionine, which is neutral and non-polar, at codon 1151 of the TUBGCP6 protein (p.Val1151Met). This variant is present in population databases (rs750851968, gnomAD 0.003%). This variant has not been reported in the literature in individuals affected with TUBGCP6-related conditions. ClinVar contains an entry for this variant (Variation ID: 1336995). Experimental studies and prediction algorithms are not available or were not evaluated, and the functional significance of this variant is currently unknown. In summary, the available evidence is currently insufficient to determine the role of this variant in disease. Therefore, it has been classified as a Variant of Uncertain Significance.

Genetic Services Laboratory, University of Chicago
Classification: Uncertain significance. Last evaluated: 2019-01-18. Review status: criteria provided, single submitter. Criteria: ACMG Guidelines, 2015. Collection method: clinical testing. Allele origin: germline. Affected: no.

NM_020461.4(TUBGCP6):c.3451G>A (p.Val1151Met)

Gene: TUBGCP6 (tubulin gamma complex component 6; minus strand). Cytogenetic location: 22q13.33.
Variant type: single nucleotide variant.
Coding change: c.3451G>A on transcript NM_020461.4 (MANE Select); coding-DNA position 3451, G replaced by A.
Protein change: p.Val1151Met; replaces valine 1151 with methionine.
Molecular consequence: missense variant.
Genome position (GRCh38, 1-based): chr22:50,220,908, C>T on the plus strand (G>A on the coding strand, the complement: TUBGCP6 is on the minus strand). VCF-style: chr22-50220908-C-T. GRCh37 (hg19) VCF-style: chr22-50659337-C-T.
Other names: short protein forms V1151M.
Identifiers: ClinVar variation 1336995 (VCV001336995.7), dbSNP rs750851968, ClinGen allele CA10307943.